The following is an entry in ClinVar:

ClinVar aggregate classification (germline): Likely pathogenic. Review status: criteria provided, multiple submitters, no conflicts (2 of 4 stars). 2 submissions from 2 submitters: Likely pathogenic (2). Last evaluated 2023-09-09.

Conditions:
Wiedemann-Steiner syndrome (WDSTS). Also called: Growth deficiency and mental retardation with facial dysmorphism. Identifiers: Orphanet 319182, MedGen C1854630, MONDO:0011518, OMIM 605130.

Submissions (2):

Labcorp Genetics (formerly Invitae), Labcorp
Classification: Likely pathogenic. Last evaluated: 2023-09-09. Review status: criteria provided, single submitter. Criteria: Invitae Variant Classification Sherloc (09022015). Collection method: clinical testing. Allele origin: germline.
Comment: In summary, the currently available evidence indicates that the variant is pathogenic, but additional data are needed to prove that conclusively. Therefore, this variant has been classified as Likely Pathogenic. Algorithms developed to predict the effect of sequence changes on RNA splicing suggest that this variant may disrupt the consensus splice site. ClinVar contains an entry for this variant (Variation ID: 2441007). This variant has not been reported in the literature in individuals affected with KMT2A-related conditions. This variant is not present in population databases (gnomAD no frequency). This sequence change affects a donor splice site in intron 23 of the KMT2A gene. It is expected to disrupt RNA splicing. Variants that disrupt the donor or acceptor splice site typically lead to a loss of protein function (PMID: 16199547), and loss-of-function variants in KMT2A are known to be pathogenic (PMID: 22795537, 25810209, 29574747).

Revvity Omics, Revvity
Classification: Likely pathogenic for Wiedemann-Steiner syndrome. Last evaluated: 2021-12-23. Review status: criteria provided, single submitter. Criteria: ACMG Guidelines, 2015. Collection method: clinical testing. Allele origin: germline.

Literature cited by the submitters: PubMed 16199547 (cited by Labcorp Genetics (formerly Invitae), Labcorp); PubMed 22795537 (cited by Labcorp Genetics (formerly Invitae), Labcorp); PubMed 25810209 (cited by Labcorp Genetics (formerly Invitae), Labcorp); PubMed 29574747 (cited by Labcorp Genetics (formerly Invitae), Labcorp).

NM_001197104.2(KMT2A):c.6079+2T>C

Gene: KMT2A (lysine methyltransferase 2A; plus strand). Cytogenetic location: 11q23.3.
Variant type: single nucleotide variant.
Coding change: c.6079+2T>C on transcript NM_001197104.2 (MANE Select); the canonical splice donor site of the intron after coding-DNA position 6079, T replaced by C.
Molecular consequence: splice donor variant.
Genome position (GRCh38, 1-based): chr11:118,499,422, T>C. VCF-style: chr11-118499422-T-C. GRCh37 (hg19) VCF-style: chr11-118370137-T-C.
Other names: c.6169+2T>C (NM_001412597.1); c.6070+2T>C (NM_005933.4).
Identifiers: ClinVar variation 2441007 (VCV002441007.6), dbSNP rs2496969762, ClinGen allele CA382799585.